The following is an entry in ClinVar:

NM_014244.5(ADAMTS2):c.789C>G (p.Asp263Glu)

Gene: ADAMTS2 (ADAM metallopeptidase with thrombospondin type 1 motif 2; minus strand). Cytogenetic location: 5q35.3.
Variant type: single nucleotide variant.
Coding change: c.789C>G on transcript NM_014244.5 (MANE Select); coding-DNA position 789, C replaced by G.
Protein change: p.Asp263Glu; replaces aspartic acid 263 with glutamic acid.
Molecular consequence: missense variant.
Genome position (GRCh38, 1-based): chr5:179,207,615, G>C on the plus strand (C>G on the coding strand, the complement: ADAMTS2 is on the minus strand). VCF-style: chr5-179207615-G-C. GRCh37 (hg19) VCF-style: chr5-178634616-G-C.
Other names: c.789C>G, p.Asp263Glu (NM_021599.4); short protein forms D263E.
Identifiers: ClinVar variation 940917 (VCV000940917.10), dbSNP rs144235544, ClinGen allele CA362428102.

ClinVar aggregate classification (germline): Uncertain significance. Review status: criteria provided, single submitter (1 of 4 stars). 2 submissions from 2 submitters: Uncertain significance (1). 1 of the submissions does not count toward it. Last evaluated 2021-09-01.

Conditions:
Ehlers-Danlos syndrome, dermatosparaxis type. Also called: Dermatosparaxis; Ehlers-Danlos syndrome, type VII, autosomal recessive; EDS VIIC. Identifiers: Orphanet 1901, MedGen C2700425, MONDO:0009161, OMIM 225410.

gnomAD v4.1: 1 of 1,613,844 alleles (0.000062%); highest among the groups gnomAD compares: Non-Finnish European, 0.000085%; no homozygotes.

Submissions (2):

Labcorp Genetics (formerly Invitae), Labcorp
Classification: Uncertain significance for Ehlers-Danlos syndrome, dermatosparaxis type. Last evaluated: 2021-09-01. Review status: criteria provided, single submitter. Criteria: Invitae Variant Classification Sherloc (09022015). Collection method: clinical testing. Allele origin: germline.
Comment: This sequence change replaces aspartic acid with glutamic acid at codon 263 of the ADAMTS2 protein (p.Asp263Glu). The aspartic acid residue is highly conserved and there is a small physicochemical difference between aspartic acid and glutamic acid. This variant is not present in population databases (ExAC no frequency). This variant has not been reported in the literature in individuals affected with ADAMTS2-related conditions. Algorithms developed to predict the effect of missense changes on protein structure and function output the following: SIFT: "Deleterious"; PolyPhen-2: "Benign"; Align-GVGD: "Class C35". The glutamic acid amino acid residue is found in multiple mammalian species, which suggests that this missense change does not adversely affect protein function. In summary, the available evidence is currently insufficient to determine the role of this variant in disease. Therefore, it has been classified as a Variant of Uncertain Significance.

Natera, Inc.
Classification: Uncertain significance for Ehlers-Danlos syndrome type VIIC. Last evaluated: 2020-08-30. Review status: no assertion criteria provided. Collection method: clinical testing. Allele origin: germline. Not counted in ClinVar's aggregate classification.